The following is an entry in ClinVar:

ClinVar aggregate classification (germline): Uncertain significance (1 of 4 stars; one submission).

Submission:

Labcorp Genetics (formerly Invitae), Labcorp
Classification: Uncertain significance. Last evaluated: 2024-04-11. Review status: criteria provided, single submitter. Criteria: Invitae Variant Classification Sherloc (09022015). Collection method: clinical testing. Allele origin: germline.
Comment: This sequence change replaces serine, which is neutral and polar, with phenylalanine, which is neutral and non-polar, at codon 2099 of the VCAN protein (p.Ser2099Phe). This variant is not present in population databases (gnomAD no frequency). This variant has not been reported in the literature in individuals affected with VCAN-related conditions. An algorithm developed to predict the effect of missense changes on protein structure and function (PolyPhen-2) suggests that this variant is likely to be disruptive. In summary, the available evidence is currently insufficient to determine the role of this variant in disease. Therefore, it has been classified as a Variant of Uncertain Significance.

NM_004385.5(VCAN):c.6296C>T (p.Ser2099Phe)

Genes: VCAN (versican; plus strand), VCAN-AS1 (VCAN antisense RNA 1; minus strand). Cytogenetic location: 5q14.3.
Variant type: single nucleotide variant.
Coding change: c.6296C>T on transcript NM_004385.5 (MANE Select); coding-DNA position 6296, C replaced by T.
Protein change: p.Ser2099Phe; replaces serine 2099 with phenylalanine.
Molecular consequence: missense variant. On other transcripts: intron variant (2).
Genome position (GRCh38, 1-based): chr5:83,539,299, C>T. VCF-style: chr5-83539299-C-T. GRCh37 (hg19) VCF-style: chr5-82835118-C-T.
Other names: c.3335C>T, p.Ser1112Phe (NM_001164097.2); c.4004-6238C>T (NM_001164098.2); c.1043-6238C>T (NM_001126336.3); short protein forms S1112F, S2099F.
Identifiers: ClinVar variation 3622150 (VCV003622150.2).